The following is an entry in ClinVar:

ClinVar aggregate classification (germline): Uncertain significance (1 of 4 stars; one submission).

gnomAD v4.1: 33 of 1,613,976 alleles (0.002%); highest among the groups gnomAD compares: South Asian, 0.033%; no homozygotes.

Submission:

GeneDx
Classification: Uncertain significance. Last evaluated: 2025-02-11. Review status: criteria provided, single submitter. Criteria: GeneDx Variant Classification Process June 2021. Collection method: clinical testing. Allele origin: germline. Affected: yes.
Comment: In silico analysis indicates that this variant does not alter splicing; Has not been previously published as pathogenic or benign to our knowledge

NM_001002755.4(NFU1):c.678C>T (p.Asn226=)

Gene: NFU1 (NFU1 iron-sulfur cluster scaffold; minus strand). Cytogenetic location: 2p13.3.
Variant type: single nucleotide variant.
Coding change: c.678C>T on transcript NM_001002755.4 (MANE Select); coding-DNA position 678, C replaced by T.
Protein change: p.Asn226=; no amino-acid change (asparagine 226 retained).
Molecular consequence: synonymous variant. On other transcripts: non-coding transcript variant (1).
Genome position (GRCh38, 1-based): chr2:69,400,406, G>A on the plus strand (C>T on the coding strand, the complement: NFU1 is on the minus strand). VCF-style: chr2-69400406-G-A. GRCh37 (hg19) VCF-style: chr2-69627538-G-A.
Other names: c.255C>T, p.Asn85= (NM_001002756.2); c.606C>T, p.Asn202= (NM_001374284.1, NM_015700.4).
Identifiers: ClinVar variation 4074576 (VCV004074576.1).